The following is an entry in ClinVar:

NM_001854.4(COL11A1):c.2709+3A>G

Gene: COL11A1 (collagen type XI alpha 1 chain; minus strand). Cytogenetic location: 1p21.1.
Variant type: single nucleotide variant.
Coding change: c.2709+3A>G on transcript NM_001854.4 (MANE Select); 3 bases into the intron after coding-DNA position 2709, A replaced by G.
Molecular consequence: intron variant.
Genome position (GRCh38, 1-based): chr1:102,978,857, T>C on the plus strand (A>G on the coding strand, the complement: COL11A1 is on the minus strand). VCF-style: chr1-102978857-T-C. GRCh37 (hg19) VCF-style: chr1-103444413-T-C.
Other names: c.2592+3A>G (NM_001190709.2); c.2745+3A>G (NM_080629.3); c.2361+3A>G (NM_080630.4).
Identifiers: ClinVar variation 4715398 (VCV004715398.1).
Genomic context (GRCh38, chr1:102,978,857, plus strand): 5'-CATAGCATCTGCCTGGAAAAAAAATCTACAGTAACATCCAAACAGAAAAAGTACAGGTGA[T>C]ACCTTTGGCCCAGGTTTCCCAGTGGGACCTCTTGCACCTCTTGAACCTCGAGGACCCTGC-3'

ClinVar aggregate classification (germline): Uncertain significance (1 of 4 stars; one submission).

gnomAD v4.1: 1 of 1,614,156 alleles (0.000062%); highest among the groups gnomAD compares: Non-Finnish European, 0.000085%; no homozygotes.

Submission:

Labcorp Genetics (formerly Invitae), Labcorp
Classification: Uncertain significance. Last evaluated: 2025-06-03. Review status: criteria provided, single submitter. Criteria: Invitae Variant Classification Sherloc (09022015). Collection method: clinical testing. Allele origin: germline.
Comment: This sequence change falls in intron 34 of the COL11A1 gene. It does not directly change the encoded amino acid sequence of the COL11A1 protein. It affects a nucleotide within the consensus splice site. This variant is not present in population databases (gnomAD no frequency). This variant has not been reported in the literature in individuals affected with COL11A1-related conditions. Variants that disrupt the consensus splice site are a relatively common cause of aberrant splicing (PMID: 17576681, 9536098). Algorithms developed to predict the effect of sequence changes on RNA splicing suggest that this variant may disrupt the consensus splice site. In summary, the available evidence is currently insufficient to determine the role of this variant in disease. Therefore, it has been classified as a Variant of Uncertain Significance.

Literature cited by the submitters: PubMed 17576681; PubMed 9536098.